The following is an entry in ClinVar:

ClinVar aggregate classification (germline): Likely benign (1 of 4 stars; one submission).

Allele frequency attached by ClinVar (database versions not stated): ExAC 0.00001; gnomAD 0.00001; TOPMed 0.00001; gnomAD exomes 0.00002; ESP Exome Variant Server 0.00008.
gnomAD v4.1: 35 of 1,612,460 alleles (0.0022%); highest among the groups gnomAD compares: Non-Finnish European, 0.0026%; no homozygotes.

Submission:

CeGaT Center for Human Genetics Tuebingen
Classification: Likely benign. Last evaluated: 2022-10-01. Review status: criteria provided, single submitter. Criteria: CeGaT Center For Human Genetics Tuebingen Variant Classification Criteria Version 2. Collection method: clinical testing. Allele origin: germline. Affected: yes. Observed: 1 variant allele.
Comment: DOCK5: BP4, BP7

NM_024940.8(DOCK5):c.564G>A (p.Glu188=)

Gene: DOCK5 (dedicator of cytokinesis 5; plus strand). Cytogenetic location: 8p21.2.
Variant type: single nucleotide variant.
Coding change: c.564G>A on transcript NM_024940.8 (MANE Select); coding-DNA position 564, G replaced by A.
Protein change: p.Glu188=; no amino-acid change (glutamic acid 188 retained).
Molecular consequence: synonymous variant.
Genome position (GRCh38, 1-based): chr8:25,296,606, G>A. VCF-style: chr8-25296606-G-A. GRCh37 (hg19) VCF-style: chr8-25154122-G-A.
Identifiers: ClinVar variation 2658489 (VCV002658489.24), dbSNP rs377088823, ClinGen allele CA4681795.